The following is an entry in ClinVar:

NM_000374.5(UROD):c.89del (p.Tyr30fs)

Gene: UROD (uroporphyrinogen decarboxylase; plus strand). Cytogenetic location: 1p34.1.
Variant type: Deletion.
Coding change: c.89del on transcript NM_000374.5 (MANE Select); coding-DNA position 89, one base deleted (A; older notation c.89delA).
Protein change: p.Tyr30fs; shifts the reading frame from tyrosine 30.
Molecular consequence: frameshift variant. On other transcripts: non-coding transcript variant (3).
Genome position (GRCh38, 1-based): chr1:45,012,975, A deleted. VCF-style (leftmost placement, unchanged base first): chr1-45012974-TA-T. GRCh37 (hg19) VCF-style: chr1-45478646-TA-T.
Other names: short protein forms Y30fs.
Identifiers: ClinVar variation 3639318 (VCV003639318.2).
Genomic context (GRCh38, chr1:45,012,974, plus strand): 5'-GGTTTTCCGGAGCTGAAGAATGACACATTCCTGCGAGCAGCCTGGGGAGAGGAAACAGAC[TA>T]CACTCCCGTTTGGTGCATGCGCCAGGCAGGCCGTTACTTACCAGGTAAGAGTCAGGGTCT-3'

ClinVar aggregate classification (germline): Pathogenic (1 of 4 stars; one submission).

Submission:

Labcorp Genetics (formerly Invitae), Labcorp
Classification: Pathogenic. Last evaluated: 2024-02-06. Review status: criteria provided, single submitter. Criteria: Invitae Variant Classification Sherloc (09022015). Collection method: clinical testing. Allele origin: germline.
Comment: This sequence change creates a premature translational stop signal (p.Tyr30Serfs*39) in the UROD gene. It is expected to result in an absent or disrupted protein product. Loss-of-function variants in UROD are known to be pathogenic (PMID: 1634232, 17240319, 19233912, 19419417, 23545314). This variant is not present in population databases (gnomAD no frequency). This variant has not been reported in the literature in individuals affected with UROD-related conditions. For these reasons, this variant has been classified as Pathogenic.

Literature cited by the submitters: PubMed 1634232; PubMed 17240319; PubMed 19233912; PubMed 19419417; PubMed 23545314.